The following is an entry in ClinVar:

NM_005912.3(MC4R):c.269A>G (p.Asp90Gly)

Gene: MC4R (melanocortin 4 receptor; minus strand). Cytogenetic location: 18q21.32.
Variant type: single nucleotide variant.
Coding change: c.269A>G on transcript NM_005912.3 (MANE Select); coding-DNA position 269, A replaced by G.
Protein change: p.Asp90Gly; replaces aspartic acid 90 with glycine.
Molecular consequence: missense variant.
Genome position (GRCh38, 1-based): chr18:60,372,081, T>C on the plus strand (A>G on the coding strand, the complement: MC4R is on the minus strand). VCF-style: chr18-60372081-T-C. GRCh37 (hg19) VCF-style: chr18-58039314-T-C.
Other names: short protein forms D90G.
Identifiers: ClinVar variation 4991300 (VCV004991300.1).

ClinVar aggregate classification (germline): Uncertain significance (1 of 4 stars; one submission).

Conditions:
MC4R-related disorder. Also called: MC4R-related condition.

Submission:

PreventionGenetics, part of Exact Sciences
Classification: Uncertain significance for MC4R-related condition. Last evaluated: 2026-07-27. Review status: criteria provided, single submitter. Criteria: ACMG Guidelines, 2015. Collection method: clinical testing. Allele origin: germline.
Comment: The MC4R c.269A>G variant is predicted to result in the amino acid substitution p.Asp90Gly. To our knowledge, this variant has not been reported in the literature or in a large population database (gnomAD), indicating this variant is rare. This variant is predicted in silico to be damaging (Douiyeh et al. 2023. PubMed ID: 37953587). At this time, the clinical significance of this variant is uncertain due to the absence of conclusive functional and genetic evidence.